The following is an entry in ClinVar:

ClinVar aggregate classification (germline): Uncertain significance (1 of 4 stars; one submission).

Conditions:
Galactosylceramide beta-galactosidase deficiency. Also called: Leukodystrophy, Globoid Cell; GALACTOCEREBROSIDASE DEFICIENCY; GALC DEFICIENCY; GLOBOID CELL LEUKOENCEPHALOPATHY; Krabbe Disease. Identifiers: Orphanet 487, MedGen C0023521, MONDO:0009499, OMIM 245200.

Allele frequency attached by ClinVar (database versions not stated): gnomAD exomes below 0.00001.

Submission:

Labcorp Genetics (formerly Invitae), Labcorp
Classification: Uncertain significance for Galactosylceramide beta-galactosidase deficiency. Last evaluated: 2022-03-26. Review status: criteria provided, single submitter. Criteria: Invitae Variant Classification Sherloc (09022015). Collection method: clinical testing. Allele origin: germline.
Comment: This sequence change replaces histidine, which is basic and polar, with arginine, which is basic and polar, at codon 253 of the GALC protein (p.His253Arg). This variant is not present in population databases (gnomAD no frequency). This variant has not been reported in the literature in individuals affected with GALC-related conditions. Advanced modeling of protein sequence and biophysical properties (such as structural, functional, and spatial information, amino acid conservation, physicochemical variation, residue mobility, and thermodynamic stability) performed at Invitae indicates that this missense variant is expected to disrupt GALC protein function. In summary, the available evidence is currently insufficient to determine the role of this variant in disease. Therefore, it has been classified as a Variant of Uncertain Significance.

NM_000153.4(GALC):c.758A>G (p.His253Arg)

Gene: GALC (galactosylceramidase; minus strand). Cytogenetic location: 14q31.3.
Variant type: single nucleotide variant.
Coding change: c.758A>G on transcript NM_000153.4 (MANE Select); coding-DNA position 758, A replaced by G.
Protein change: p.His253Arg; replaces histidine 253 with arginine.
Molecular consequence: missense variant.
Genome position (GRCh38, 1-based): chr14:87,968,485, T>C on the plus strand (A>G on the coding strand, the complement: GALC is on the minus strand). VCF-style: chr14-87968485-T-C. GRCh37 (hg19) VCF-style: chr14-88434829-T-C.
Other names: c.689A>G, p.His230Arg (NM_001201401.2); c.680A>G, p.His227Arg (NM_001201402.2); short protein forms H227R, H230R, H253R.
Identifiers: ClinVar variation 2157848 (VCV002157848.1), dbSNP rs2503450543, ClinGen allele CA390748253.